The following is an entry in ClinVar:

NM_000138.5(FBN1):c.988+3A>G

Gene: FBN1 (fibrillin 1; minus strand). Cytogenetic location: 15q21.1.
Variant type: single nucleotide variant.
Coding change: c.988+3A>G on transcript NM_000138.5 (MANE Select); 3 bases into the intron after coding-DNA position 988, A replaced by G.
Molecular consequence: intron variant.
Genome position (GRCh38, 1-based): chr15:48,526,127, T>C on the plus strand (A>G on the coding strand, the complement: FBN1 is on the minus strand). VCF-style: chr15-48526127-T-C. GRCh37 (hg19) VCF-style: chr15-48818324-T-C.
Identifiers: ClinVar variation 2428615 (VCV002428615.3), dbSNP rs2505640490, ClinGen allele CA2575717660.

ClinVar aggregate classification (germline): Uncertain significance (1 of 4 stars; one submission).

Allele frequency attached by ClinVar (database versions not stated): gnomAD exomes below 0.00001.
gnomAD v4.1: 2 of 1,614,146 alleles (0.00012%); highest among the groups gnomAD compares: Non-Finnish European, 0.00017%; no homozygotes.

Submission:

ARUP Laboratories, Molecular Genetics and Genomics, ARUP Laboratories
Classification: Uncertain significance. Last evaluated: 2022-03-21. Review status: criteria provided, single submitter. Criteria: ARUP Molecular Germline Variant Investigation Process 2021. Collection method: clinical testing. Allele origin: germline.
Comment: The FBN1 c.988+3A>G variant, to our knowledge, is not reported in the medical literature or gene specific databases. This variant is also absent from the Genome Aggregation Database, indicating it is not a common polymorphism. This is an intronic variant in a weakly conserved nucleotide, but computational analyses (Alamut v.2.11) predict that this variant may impact splicing by weakening the nearby canonical donor splice site. Due to limited information, the clinical significance of this variant is uncertain at this time.